The following is an entry in ClinVar:

ClinVar aggregate classification (germline): Benign/Likely benign. Review status: criteria provided, multiple submitters, no conflicts (2 of 4 stars). 3 submissions from 3 submitters: Benign (1); Likely benign (2). Last evaluated 2025-10-17.

Conditions:
Hereditary cancer-predisposing syndrome. Also called: Hereditary neoplastic syndrome; Neoplastic Syndromes, Hereditary; Tumor predisposition; Hereditary Cancer Syndrome. Identifiers: Orphanet 140162, MedGen C0027672, MeSH D009386, MONDO:0015356.
Familial cancer of breast. Also called: BREAST CANCER, FAMILIAL; Hereditary breast cancer; hereditary breast carcinoma. Identifiers: Orphanet 227535, MedGen C0346153, MONDO:0016419, OMIM 114480. Disease mechanism: loss of function.

Allele frequency attached by ClinVar (database versions not stated): gnomAD exomes below 0.00001.
gnomAD v4.1: 2 of 1,613,810 alleles (0.00012%); highest among the groups gnomAD compares: Non-Finnish European, 0.00017%; no homozygotes.

Submissions (3):

Labcorp Genetics (formerly Invitae), Labcorp
Classification: Likely benign for Familial cancer of breast. Last evaluated: 2025-10-17. Review status: criteria provided, single submitter. Criteria: Invitae Variant Classification Sherloc (09022015). Collection method: clinical testing. Allele origin: germline.

Ambry Genetics
Classification: Likely benign for Hereditary cancer-predisposing syndrome. Last evaluated: 2025-04-11. Review status: criteria provided, single submitter. Criteria: Ambry Variant Classification Scheme 2023. Collection method: clinical testing. Allele origin: germline.

Myriad Genetics, Inc.
Classification: Benign for Familial cancer of breast. Last evaluated: 2024-07-23. Review status: criteria provided, single submitter. Criteria: Myriad Autosomal Dominant, Autosomal Recessive and X-Linked Classification Criteria (2023). Collection method: clinical testing. Allele origin: unknown.
Comment: This variant is considered benign. This variant is a silent/synonymous amino acid change and it is not expected to impact splicing.

NM_000465.4(BARD1):c.927A>G (p.Thr309=)

Gene: BARD1 (BRCA1 associated RING domain 1; minus strand). Cytogenetic location: 2q35.
Variant type: single nucleotide variant.
Coding change: c.927A>G on transcript NM_000465.4 (MANE Select); coding-DNA position 927, A replaced by G.
Protein change: p.Thr309=; no amino-acid change (threonine 309 retained).
Molecular consequence: synonymous variant. On other transcripts: non-coding transcript variant (2), intron variant (3).
Genome position (GRCh38, 1-based): chr2:214,780,947, T>C on the plus strand (A>G on the coding strand, the complement: BARD1 is on the minus strand). VCF-style: chr2-214780947-T-C. GRCh37 (hg19) VCF-style: chr2-215645671-T-C.
Other names: c.870A>G, p.Thr290= (NM_001282543.2); c.159-28392A>G (NM_001282548.2); c.215+16114A>G (NM_001282545.2); c.364+11350A>G (NM_001282549.2).
Identifiers: ClinVar variation 215750 (VCV000215750.13), dbSNP rs863224365, ClinGen allele CA339286.